The following is an entry in ClinVar:

ClinVar aggregate classification (germline): Conflicting classifications of pathogenicity. Review status: criteria provided, conflicting classifications (1 of 4 stars). 4 submissions from 4 submitters: Uncertain significance (1); Likely benign (3). Last evaluated 2025-11-26.

Conditions:
Inborn genetic diseases. Identifiers: MedGen C0950123, MeSH D030342.
Spastic paraplegia. Identifiers: MedGen C0037772, HP:0001258.

Allele frequency attached by ClinVar (database versions not stated): gnomAD exomes 0.00049; ExAC 0.00057; TOPMed 0.00111; gnomAD 0.00124; ESP Exome Variant Server 0.00131; 1000 Genomes Project 30x 0.00172; 1000 Genomes Project 0.00200.
gnomAD v4.1: 497 of 1,613,868 alleles (0.031%); highest among the groups gnomAD compares: African/African-American, 0.34%; 1 homozygote.

Submissions (4):

Labcorp Genetics (formerly Invitae), Labcorp
Classification: Likely benign for Spastic paraplegia. Last evaluated: 2025-11-26. Review status: criteria provided, single submitter. Criteria: Invitae Variant Classification Sherloc (09022015). Collection method: clinical testing. Allele origin: germline.

Ambry Genetics
Classification: Uncertain significance for Inborn genetic diseases. Last evaluated: 2025-11-08. Review status: criteria provided, single submitter. Criteria: Ambry Variant Classification Scheme 2023. Collection method: clinical testing. Allele origin: germline.

CeGaT Center for Human Genetics Tuebingen
Classification: Likely benign. Last evaluated: 2023-09-01. Review status: criteria provided, single submitter. Criteria: CeGaT Center For Human Genetics Tuebingen Variant Classification Criteria Version 2. Collection method: clinical testing. Allele origin: germline. Affected: yes. Observed: 1 variant allele.
Comment: GBA2: BP4

Breakthrough Genomics
Classification: Likely benign. Review status: criteria provided, single submitter. Criteria: ACMG Guidelines, 2015. Collection method: not provided. Allele origin: germline. Inheritance: Autosomal recessive inheritance. Affected: yes.

NM_020944.3(GBA2):c.1420G>A (p.Ala474Thr)

Gene: GBA2 (glucosylceramidase beta 2; minus strand). Cytogenetic location: 9p13.3.
Variant type: single nucleotide variant.
Coding change: c.1420G>A on transcript NM_020944.3 (MANE Select); coding-DNA position 1420, G replaced by A.
Protein change: p.Ala474Thr; replaces alanine 474 with threonine.
Molecular consequence: missense variant.
Genome position (GRCh38, 1-based): chr9:35,739,790, C>T on the plus strand (G>A on the coding strand, the complement: GBA2 is on the minus strand). VCF-style: chr9-35739790-C-T. GRCh37 (hg19) VCF-style: chr9-35739787-C-T.
Other names: c.1420G>A, p.Ala474Thr (NM_001330660.2); short protein forms A474T.
Identifiers: ClinVar variation 241328 (VCV000241328.37), dbSNP rs147443644, ClinGen allele CA5050402.